The following is an entry in ClinVar:

ClinVar aggregate classification (germline): Uncertain significance (1 of 4 stars; one submission).

Conditions:
Spermatogenic failure 18. Identifiers: MedGen C4539783, MONDO:0054615, OMIM 617576.
Ciliary dyskinesia, primary, 37 (CILD37). Also called: CILIARY DYSKINESIA, PRIMARY, 37, WITH OR WITHOUT SITUS INVERSUS. Identifiers: MedGen C4539798, MONDO:0033204, OMIM 617577.

Allele frequency attached by ClinVar (database versions not stated): gnomAD exomes below 0.00001; gnomAD 0.00001; TOPMed 0.00003.

Submission:

Labcorp Genetics (formerly Invitae), Labcorp
Classification: Uncertain significance for Ciliary dyskinesia, primary, 37; Spermatogenic failure 18. Last evaluated: 2024-08-13. Review status: criteria provided, single submitter. Criteria: Invitae Variant Classification Sherloc (09022015). Collection method: clinical testing. Allele origin: germline.
Comment: This sequence change replaces isoleucine, which is neutral and non-polar, with phenylalanine, which is neutral and non-polar, at codon 762 of the DNAH1 protein (p.Ile762Phe). This variant is present in population databases (no rsID available, gnomAD 0.007%). This variant has not been reported in the literature in individuals affected with DNAH1-related conditions. ClinVar contains an entry for this variant (Variation ID: 2054279). Advanced modeling of protein sequence and biophysical properties (such as structural, functional, and spatial information, amino acid conservation, physicochemical variation, residue mobility, and thermodynamic stability) performed at Invitae indicates that this missense variant is not expected to disrupt DNAH1 protein function with a negative predictive value of 80%. In summary, the available evidence is currently insufficient to determine the role of this variant in disease. Therefore, it has been classified as a Variant of Uncertain Significance.

NM_015512.5(DNAH1):c.2284A>T (p.Ile762Phe)

Gene: DNAH1 (dynein axonemal heavy chain 1; plus strand). Cytogenetic location: 3p21.1.
Variant type: single nucleotide variant.
Coding change: c.2284A>T on transcript NM_015512.5 (MANE Select); coding-DNA position 2284, A replaced by T.
Protein change: p.Ile762Phe; replaces isoleucine 762 with phenylalanine.
Molecular consequence: missense variant.
Genome position (GRCh38, 1-based): chr3:52,349,065, A>T. VCF-style: chr3-52349065-A-T. GRCh37 (hg19) VCF-style: chr3-52383081-A-T.
Other names: short protein forms I762F.
Identifiers: ClinVar variation 2054279 (VCV002054279.4), dbSNP rs898918780, ClinGen allele CA74740071.